The following is an entry in ClinVar:

ClinVar aggregate classification (germline): Likely pathogenic (1 of 4 stars; one submission).

Conditions:
Ehlers-Danlos syndrome due to tenascin-X deficiency (EDSCLL1). Also called: EHLERS-DANLOS SYNDROME, CLASSIC-LIKE; Ehlers-Danlos syndrome, classic-like, 1; TNX DEFICIENCY; TNXB-Related Classical-Like Ehlers-Danlos Syndrome; EDS DUE TO TNX DEFICIENCY. Identifiers: Orphanet 230839, MedGen C1848029, MONDO:0011670, OMIM 606408.

Submission:

Juno Genomics, Hangzhou Juno Genomics, Inc
Classification: Likely pathogenic for Ehlers-Danlos syndrome due to tenascin-X deficiency. Review status: criteria provided, single submitter. Criteria: ACMG Guidelines, 2015. Collection method: clinical testing. Allele origin: germline.
Comment: Null variant in a gene where loss of function (LOF) is a known mechanism of disease.;Absent from controls (or at extremely low frequency if recessive) in Genome Aggregation Database.

NM_001365276.2(TNXB):c.2939del (p.Val980fs)

Gene: TNXB (tenascin XB; minus strand). Cytogenetic location: 6p21.33.
Variant type: Deletion.
Coding change: c.2939del on transcript NM_001365276.2 (MANE Select); coding-DNA position 2939, one base deleted (T; older notation c.2939delT).
Protein change: p.Val980fs; shifts the reading frame from valine 980.
Molecular consequence: frameshift variant.
Genome position (GRCh38, 1-based): chr6:32,085,959, A deleted on the plus strand (T on the coding strand, the reverse complement: TNXB is on the minus strand). VCF-style (leftmost placement, unchanged base first): chr6-32085958-GA-G. GRCh37 (hg19) VCF-style: chr6-32053735-GA-G.
Other names: c.3680del, p.Val1227fs (NM_001428335.1); c.2939del, p.Val980fs (NM_019105.8); short protein forms V1227fs, V980fs.
Identifiers: ClinVar variation 5007030 (VCV005007030.2).